The following is an entry in ClinVar:

NM_005461.5(MAFB):c.173C>T (p.Thr58Ile)

Gene: MAFB (MAF bZIP transcription factor B; minus strand). Cytogenetic location: 20q12.
Variant type: single nucleotide variant.
Coding change: c.173C>T on transcript NM_005461.5 (MANE Select); coding-DNA position 173, C replaced by T.
Protein change: p.Thr58Ile; replaces threonine 58 with isoleucine.
Molecular consequence: missense variant.
Genome position (GRCh38, 1-based): chr20:40,688,678, G>A on the plus strand (C>T on the coding strand, the complement: MAFB is on the minus strand). VCF-style: chr20-40688678-G-A. GRCh37 (hg19) VCF-style: chr20-39317318-G-A.
Other names: short protein forms T58I.
Identifiers: ClinVar variation 1971652 (VCV001971652.5), dbSNP rs1600429281, ClinGen allele CA408941738.

ClinVar aggregate classification (germline): Uncertain significance (1 of 4 stars; one submission).

Submission:

Labcorp Genetics (formerly Invitae), Labcorp
Classification: Uncertain significance. Last evaluated: 2021-12-13. Review status: criteria provided, single submitter. Criteria: Invitae Variant Classification Sherloc (09022015). Collection method: clinical testing. Allele origin: germline.
Comment: This sequence change replaces threonine, which is neutral and polar, with isoleucine, which is neutral and non-polar, at codon 58 of the MAFB protein (p.Thr58Ile). This variant is not present in population databases (gnomAD no frequency). This variant has not been reported in the literature in individuals affected with MAFB-related conditions. Algorithms developed to predict the effect of missense changes on protein structure and function are either unavailable or do not agree on the potential impact of this missense change (SIFT: "Deleterious"; PolyPhen-2: "Benign"; Align-GVGD: "Class C65"). This variant disrupts the p.Thr58 amino acid residue in MAFB. Other variant(s) that disrupt this residue have been determined to be pathogenic (PMID: 32278749). This suggests that this residue is clinically significant, and that variants that disrupt this residue are likely to be disease-causing. In summary, the available evidence is currently insufficient to determine the role of this variant in disease. Therefore, it has been classified as a Variant of Uncertain Significance.

Literature cited by the submitters: PubMed 32278749.